The following is an entry in ClinVar:

NM_001458.5(FLNC):c.3137C>G (p.Pro1046Arg)

Gene: FLNC (filamin C; plus strand). Cytogenetic location: 7q32.1.
Variant type: single nucleotide variant.
Coding change: c.3137C>G on transcript NM_001458.5 (MANE Select); coding-DNA position 3137, C replaced by G.
Protein change: p.Pro1046Arg; replaces proline 1046 with arginine.
Molecular consequence: missense variant.
Genome position (GRCh38, 1-based): chr7:128,844,211, C>G. VCF-style: chr7-128844211-C-G. GRCh37 (hg19) VCF-style: chr7-128484265-C-G.
Other names: c.3137C>G, p.Pro1046Arg (NM_001127487.2); short protein forms P1046R.
Identifiers: ClinVar variation 3221720 (VCV003221720.1), dbSNP rs768820218, ClinGen allele CA369194518.

ClinVar aggregate classification (germline): Uncertain significance (1 of 4 stars; one submission).

Conditions:
Cardiovascular phenotype. Identifiers: MedGen CN230736.

Submission:

Ambry Genetics
Classification: Uncertain significance for Cardiovascular phenotype. Last evaluated: 2024-01-11. Review status: criteria provided, single submitter. Criteria: Ambry Variant Classification Scheme 2023. Collection method: clinical testing. Allele origin: germline.
Comment: The p.P1046R variant (also known as c.3137C>G), located in coding exon 20 of the FLNC gene, results from a C to G substitution at nucleotide position 3137. The proline at codon 1046 is replaced by arginine, an amino acid with dissimilar properties. This amino acid position is conserved. In addition, the in silico prediction for this alteration is inconclusive. Since supporting evidence is limited at this time, the clinical significance of this alteration remains unclear.